The following is an entry in ClinVar:

ClinVar aggregate classification (germline): Uncertain significance. Review status: criteria provided, multiple submitters, no conflicts (2 of 4 stars). 2 submissions from 2 submitters: Uncertain significance (2). Last evaluated 2023-07-30.

Conditions:
Amyotrophic lateral sclerosis type 10 (ALS10). Also called: TARDBP-Related Amyotrophic Lateral Sclerosis-Frontotemporal Dementia; AMYOTROPHIC LATERAL SCLEROSIS 10 WITHOUT FRONTOTEMPORAL DEMENTIA AND WITH TDP43 INCLUSIONS; AMYOTROPHIC LATERAL SCLEROSIS 10 WITH OR WITHOUT FRONTOTEMPORAL DEMENTIA AND WITH TDP43 INCLUSIONS; AMYOTROPHIC LATERAL SCLEROSIS 10 WITH OR WITHOUT FRONTOTEMPORAL DEMENTIA; Amyotrophic lateral sclerosis 10, with or without FTD. Identifiers: Orphanet 275872, Orphanet 803, MedGen C2677565, MONDO:0012790, OMIM 612069.
FRONTOTEMPORAL LOBAR DEGENERATION WITH TDP43 INCLUSIONS, TARDBP-RELATED. Also called: Frontotemporal lobar degeneration, TARDBP-related. Identifiers: MedGen C3150169, OMIM 612069.

Submissions (2):

Labcorp Genetics (formerly Invitae), Labcorp
Classification: Uncertain significance for Amyotrophic lateral sclerosis type 10; FRONTOTEMPORAL LOBAR DEGENERATION WITH TDP43 INCLUSIONS, TARDBP-RELATED. Last evaluated: 2023-07-30. Review status: criteria provided, single submitter. Criteria: Invitae Variant Classification Sherloc (09022015). Collection method: clinical testing. Allele origin: germline.
Comment: This variant is present in population databases (no rsID available, gnomAD 0.0009%). In summary, the available evidence is currently insufficient to determine the role of this variant in disease. Therefore, it has been classified as a Variant of Uncertain Significance. An algorithm developed to predict the effect of missense changes on protein structure and function (PolyPhen-2) suggests that this variant is likely to be disruptive. ClinVar contains an entry for this variant (Variation ID: 1723255). This variant has not been reported in the literature in individuals affected with TARDBP-related conditions. This sequence change replaces glycine, which is neutral and non-polar, with aspartic acid, which is acidic and polar, at codon 357 of the TARDBP protein (p.Gly357Asp).

Women's Health and Genetics/Laboratory Corporation of America, LabCorp
Classification: Uncertain significance. Last evaluated: 2022-10-07. Review status: criteria provided, single submitter. Criteria: LabCorp Variant Classification Summary - May 2015. Collection method: clinical testing. Allele origin: germline.
Comment: Variant summary: TARDBP c.1070G>A (p.Gly357Asp) results in a non-conservative amino acid change in the encoded protein sequence. Three in-silico tools predict a benign effect of the variant on protein function. The variant was absent in 249442 control chromosomes. The available data on variant occurrences in the general population are insufficient to allow any conclusion about variant significance. c.1070G>A has been reported in the literature in individuals affected with Amyotrophic Lateral Sclerosis Type 10 (Example: Zucca_2019). These data do not allow any conclusion about variant significance. To our knowledge, no experimental evidence demonstrating an impact on protein function has been reported. No clinical diagnostic laboratories have submitted clinical-significance assessments for this variant to ClinVar after 2014. Other variants locate at this codon (G357R and G357S) have been reported in databases (e.g. HGMD, ClinVar). Based on the evidence outlined above, the variant was classified as uncertain significance.

Literature cited by the submitters: PubMed 30720798 (cited by Women's Health and Genetics/Laboratory Corporation of America, LabCorp).

NM_007375.4(TARDBP):c.1070G>A (p.Gly357Asp)

Gene: TARDBP (TAR DNA binding protein; plus strand). Cytogenetic location: 1p36.22.
Variant type: single nucleotide variant.
Coding change: c.1070G>A on transcript NM_007375.4 (MANE Select); coding-DNA position 1070, G replaced by A.
Protein change: p.Gly357Asp; replaces glycine 357 with aspartic acid.
Molecular consequence: missense variant.
Genome position (GRCh38, 1-based): chr1:11,022,479, G>A. VCF-style: chr1-11022479-G-A. GRCh37 (hg19) VCF-style: chr1-11082536-G-A.
Other names: short protein forms G357D.
Identifiers: ClinVar variation 1723255 (VCV001723255.4), dbSNP rs1479554904, ClinGen allele CA338367711.
Genomic context (GRCh38, chr1:11,022,479, plus strand): 5'-TGGGCATGTTAGCCAGCCAGCAGAACCAGTCAGGCCCATCGGGTAATAACCAAAACCAAG[G>A]CAACATGCAGAGGGAGCCAAACCAGGCCTTCGGTTCTGGAAATAACTCTTATAGTGGCTC-3'
Protein context (NP_031401.1, residues 347-367): SGPSGNNQNQ[Gly357Asp]NMQREPNQAF